The following is an entry in ClinVar:

NM_144997.7(FLCN):c.1269C>T (p.His423=)

Gene: FLCN (folliculin; minus strand). Cytogenetic location: 17p11.2.
Variant type: single nucleotide variant.
Coding change: c.1269C>T on transcript NM_144997.7 (MANE Select); coding-DNA position 1269, C replaced by T.
Protein change: p.His423=; no amino-acid change (histidine 423 retained).
Molecular consequence: synonymous variant.
Genome position (GRCh38, 1-based): chr17:17,216,411, G>A on the plus strand (C>T on the coding strand, the complement: FLCN is on the minus strand). VCF-style: chr17-17216411-G-A. GRCh37 (hg19) VCF-style: chr17-17119725-G-A.
Other names: c.1269C>T (LRG_325t1, NM_144997.6); c.1323C>T, p.His441= (NM_001353229.2); c.1269C>T, p.His423= (NM_001353230.2, NM_001353231.2).
Identifiers: ClinVar variation 141725 (VCV000141725.65), dbSNP rs41464156, ClinGen allele CA166238.
Genomic context (GRCh38, chr17:17,216,411, plus strand): 5'-ATGGCCCCACAGCCCGCGGGGGCACGCACCTGAGGAGAGCACGTGGGGGGGGATCTGCAC[G>A]TGCGGGCTGAGCCCCAGGAAGTTGCACCGATAGGCCTCCTCGTACTGGCTGCTGTATGGG-3'
Protein context (NP_659434.2, residues 413-433): YRCNFLGLSP[His423=]VQIPPHVLSS

ClinVar aggregate classification (germline): Benign/Likely benign. Review status: criteria provided, multiple submitters, no conflicts (2 of 4 stars). 16 submissions from 15 submitters: Benign (4); Likely benign (12). Last evaluated 2026-09-01.

Conditions:
Colorectal cancer. Also called: Colorectal cancer, somatic; Malignant Colorectal Neoplasm. Identifiers: MedGen C0346629, MONDO:0005575, OMIM 114500.
Birt-Hogg-Dube syndrome 1 (BHD1). Also called: FIBROFOLLICULOMAS WITH TRICHODISCOMAS AND ACROCHORDONS. Identifiers: Orphanet 122, MedGen CN375946, MONDO:0800445, OMIM 135150.
Nonpapillary renal cell carcinoma. Identifiers: Orphanet 422526, MedGen CN074294, MONDO:0007763, OMIM 144700.
17p11.2 microduplication syndrome (PTLS). Also called: CHROMOSOME 17p11.2 DUPLICATION SYNDROME; Potocki-Lupski syndrome; Duplication 17p11.2 syndrome; Potocki-Lupski syndrome (dup(17)(p11.2p11.2)). Identifiers: Orphanet 1713, MedGen C2931246, MONDO:0012574, OMIM 610883.
Familial spontaneous pneumothorax (PSP). Identifiers: Orphanet 2903, MedGen C1868193, MONDO:0008259, OMIM 173600.
Birt-Hogg-Dube syndrome. Also called: Birt Hogg Dubé syndrome. Identifiers: Orphanet 122, MedGen C0346010, MONDO:0800444.
Hereditary cancer-predisposing syndrome. Also called: Neoplastic Syndromes, Hereditary; Tumor predisposition; Hereditary neoplastic syndrome; Hereditary Cancer Syndrome. Identifiers: Orphanet 140162, MedGen C0027672, MeSH D009386, MONDO:0015356.

Allele frequency attached by ClinVar (database versions not stated): 1000 Genomes Project 0.00040; 1000 Genomes Project 30x 0.00047; gnomAD 0.00053; gnomAD exomes 0.00057 and 0.00074; TOPMed 0.00062; ESP Exome Variant Server 0.00069; ExAC 0.00077.
gnomAD v4.1: 919 of 1,613,724 alleles (0.057%); highest among the groups gnomAD compares: Non-Finnish European, 0.053%; 1 homozygote.

Submissions (16):

CeGaT Center for Human Genetics Tuebingen
Classification: Likely benign. Last evaluated: 2026-09-01. Review status: criteria provided, single submitter. Criteria: CeGaT Center For Human Genetics Tuebingen Variant Classification Criteria Version 2. Collection method: clinical testing. Allele origin: germline. Affected: yes. Observed: 14 variant alleles.
Comment: FLCN: BP4, BP7

Labcorp Genetics (formerly Invitae), Labcorp
Classification: Benign for Birt-Hogg-Dube syndrome. Last evaluated: 2026-02-03. Review status: criteria provided, single submitter. Criteria: Invitae Variant Classification Sherloc (09022015). Collection method: clinical testing. Allele origin: germline.

Center for Genomic Medicine, Rigshospitalet, Copenhagen University Hospital
Classification: Likely benign. Last evaluated: 2025-03-04. Review status: criteria provided, single submitter. Criteria: ACMG Guidelines, 2015. Collection method: clinical testing. Allele origin: germline.

Blueprint Genetics
Classification: Likely benign. Last evaluated: 2024-11-19. Review status: criteria provided, single submitter. Criteria: ACMG Guidelines, 2015. Collection method: clinical testing. Allele origin: germline.

Myriad Genetics, Inc.
Classification: Benign for Birt-Hogg-Dube syndrome 1. Last evaluated: 2024-10-24. Review status: criteria provided, single submitter. Criteria: Myriad Autosomal Dominant, Autosomal Recessive and X-Linked Classification Criteria (2023). Collection method: clinical testing. Allele origin: unknown.
Comment: This variant is considered benign. This variant is a silent/synonymous amino acid change and it is not expected to impact splicing.

ARUP Laboratories, Molecular Genetics and Genomics, ARUP Laboratories
Classification: Likely benign. Last evaluated: 2024-09-16. Review status: criteria provided, single submitter. Criteria: ARUP Molecular Germline Variant Investigation Process 2024. Collection method: clinical testing. Allele origin: germline.

KCCC/NGS Laboratory, Kuwait Cancer Control Center
Classification: Benign for Birt-Hogg-Dube syndrome 1. Last evaluated: 2023-07-07. Review status: criteria provided, single submitter. Criteria: ACMG Guidelines, 2015. Collection method: clinical testing. Allele origin: germline. Affected: yes.

Quest Diagnostics Nichols Institute San Juan Capistrano
Classification: Benign. Last evaluated: 2023-03-09. Review status: criteria provided, single submitter. Criteria: Quest Diagnostics criteria. Collection method: clinical testing. Allele origin: unknown.

Fulgent Genetics
Classification: Likely benign for Colorectal cancer; Birt-Hogg-Dube syndrome 1; Nonpapillary renal cell carcinoma; Familial spontaneous pneumothorax; 17p11.2 microduplication syndrome. Last evaluated: 2022-02-16. Review status: criteria provided, single submitter. Criteria: ACMG Guidelines, 2015. Collection method: clinical testing. Allele origin: unknown.

Department of Pathology and Laboratory Medicine, Sinai Health System
Classification: Likely benign for Birt-Hogg-Dube syndrome 1; Colorectal cancer; Nonpapillary renal cell carcinoma. Last evaluated: 2021-11-23. Review status: criteria provided, single submitter. Criteria: ACMG Guidelines, 2015. Collection method: clinical testing. Allele origin: germline. Affected: yes.

Sema4
Classification: Likely benign for Hereditary cancer-predisposing syndrome. Last evaluated: 2021-02-21. Review status: criteria provided, single submitter. Criteria: Sema4 Curation Guidelines. Collection method: curation. Allele origin: germline.

GeneDx
Classification: Likely benign. Last evaluated: 2020-10-14. Review status: criteria provided, single submitter. Criteria: GeneDx Variant Classification Process June 2021. Collection method: clinical testing. Allele origin: germline. Affected: yes.
Comment: This variant is associated with the following publications: (PMID: 19562744, 19116017, 21937013, 29357828)

Illumina Laboratory Services, Illumina
Classification: Likely benign for Birt-Hogg-Dube syndrome 1. Last evaluated: 2017-04-27. Review status: criteria provided, single submitter. Criteria: ICSL Variant Classification Criteria 13 December 2019. Collection method: clinical testing. Allele origin: germline.
Comment: This variant was observed as part of a predisposition screen in an ostensibly healthy population. A literature search was performed for the gene, cDNA change, and amino acid change (where applicable). Publications were found based on this search. The evidence from the literature, in combination with allele frequency data from public databases where available, was sufficient to determine this variant is unlikely to cause disease. Therefore, this variant is classified as likely benign.

Illumina Laboratory Services, Illumina
Classification: Likely benign for Familial spontaneous pneumothorax. Last evaluated: 2017-04-27. Review status: criteria provided, single submitter. Criteria: ICSL Variant Classification Criteria 13 December 2019. Collection method: clinical testing. Allele origin: germline.
Comment: the same text as in the submission from Illumina Laboratory Services, Illumina above.

Ambry Genetics
Classification: Likely benign for Hereditary cancer-predisposing syndrome. Last evaluated: 2014-09-11. Review status: criteria provided, single submitter. Criteria: Ambry Variant Classification Scheme 2023. Collection method: clinical testing. Allele origin: germline.

Breakthrough Genomics
Classification: Likely benign. Review status: criteria provided, single submitter. Criteria: ACMG Guidelines, 2015. Collection method: not provided. Allele origin: germline. Inheritance: Autosomal dominant inheritance. Affected: yes.

Literature cited by the submitters: PubMed 19116017 (cited by Illumina Laboratory Services, Illumina).